The following is an entry in ClinVar:

NM_001292034.3(TAB2):c.1861C>G (p.Pro621Ala)

Gene: TAB2 (TGF-beta activated kinase 1 (MAP3K7) binding protein 2; plus strand). Cytogenetic location: 6q25.1.
Variant type: single nucleotide variant.
Coding change: c.1861C>G on transcript NM_001292034.3 (MANE Select); coding-DNA position 1861, C replaced by G.
Protein change: p.Pro621Ala; replaces proline 621 with alanine.
Molecular consequence: missense variant.
Genome position (GRCh38, 1-based): chr6:149,399,106, C>G. VCF-style: chr6-149399106-C-G. GRCh37 (hg19) VCF-style: chr6-149720242-C-G.
Other names: c.1765C>G, p.Pro589Ala (NM_001292035.3); c.1861C>G, p.Pro621Ala (NM_001369506.1, NM_015093.6); short protein forms P621A, P589A.
Identifiers: ClinVar variation 2996547 (VCV002996547.3), dbSNP rs745478959, ClinGen allele CA4041659.

ClinVar aggregate classification (germline): Uncertain significance (1 of 4 stars; one submission).

Allele frequency attached by ClinVar (database versions not stated): gnomAD exomes below 0.00001; ExAC 0.00003.
gnomAD v4.1: 4 of 1,612,638 alleles (0.00025%); highest among the groups gnomAD compares: Non-Finnish European, 0.00034%; no homozygotes.

Submission:

Labcorp Genetics (formerly Invitae), Labcorp
Classification: Uncertain significance. Last evaluated: 2024-01-07. Review status: criteria provided, single submitter. Criteria: Invitae Variant Classification Sherloc (09022015). Collection method: clinical testing. Allele origin: germline.
Comment: This sequence change replaces proline, which is neutral and non-polar, with alanine, which is neutral and non-polar, at codon 621 of the TAB2 protein (p.Pro621Ala). This variant is present in population databases (rs745478959, gnomAD 0.003%). This variant has not been reported in the literature in individuals affected with TAB2-related conditions. An algorithm developed to predict the effect of missense changes on protein structure and function (PolyPhen-2) suggests that this variant is likely to be tolerated. In summary, the available evidence is currently insufficient to determine the role of this variant in disease. Therefore, it has been classified as a Variant of Uncertain Significance.